The following is an entry in ClinVar:

ClinVar aggregate classification (germline): Benign (1 of 4 stars; one submission).

Submission:

CeGaT Center for Human Genetics Tuebingen
Classification: Benign. Last evaluated: 2022-06-01. Review status: criteria provided, single submitter. Criteria: CeGaT Center For Human Genetics Tuebingen Variant Classification Criteria Version 2. Collection method: clinical testing. Allele origin: germline. Affected: yes. Observed: 1 variant allele.
Comment: SOS2: BS1, BS2

NM_006939.4(SOS2):c.2057+20TA[6]

Gene: SOS2 (SOS Ras/Rho guanine nucleotide exchange factor 2; minus strand). Cytogenetic location: 14q21.3.
Variant type: Microsatellite.
Coding change: c.2057+20TA[6] on transcript NM_006939.4 (MANE Select); six copies in a row of the 2-base unit TA starting at c.2057+20; the reference has eight copies in a row; two copies, 4 bases deleted.
Molecular consequence: intron variant.
Genome position (GRCh38, 1-based): chr14:50,156,964-50,156,967, TATA deleted on the plus strand (TATA on the coding strand, the reverse complement: SOS2 is on the minus strand); deleting any 4 consecutive bases within chr14:50,156,964-50,156,979 gives the same sequence; the position shown is the placement nearest the transcript's 3' end. VCF-style (leftmost placement, unchanged base first): chr14-50156963-GTATA-G. GRCh37 (hg19) VCF-style: chr14-50623681-GTATA-G.
Other names: c.1958+20TA[6] (NM_001411020.1).
Identifiers: ClinVar variation 2644226 (VCV002644226.24), dbSNP rs374223259, ClinGen allele CA7177164.